The following is an entry in ClinVar:

NC_000002.11:g.(?_236877086)_(237032766_?)dup

Gene: AGAP1 (ArfGAP with GTPase domain, ankyrin repeat and PH domain 1; plus strand). Cytogenetic location: 2q37.2.
Variant type: Duplication.
Identifiers: ClinVar variation 3247549 (VCV003247549.1).

ClinVar aggregate classification (germline): Uncertain significance (1 of 4 stars; one submission).

Submission:

Labcorp Genetics (formerly Invitae), Labcorp
Classification: Uncertain significance. Last evaluated: 2023-12-23. Review status: criteria provided, single submitter. Criteria: Invitae Variant Classification Sherloc (09022015). Collection method: clinical testing. Allele origin: unknown.
Comment: This variant results in a copy number gain of the genomic region encompassing exon(s) 12-17 of the AGAP1 gene. This region includes the termination codon of the gene. This copy number gain extends beyond the assayed region for this gene and therefore may encompass additional genes. As the precise location of this event is unknown, it may be in tandem or it may be located elsewhere in the genome. This variant has not been reported in the literature in individuals affected with AGAP1-related conditions. Experimental studies and prediction algorithms are not available or were not evaluated, and the functional significance of this variant is currently unknown. In summary, the available evidence is currently insufficient to determine the role of this variant in disease. Therefore, it has been classified as a Variant of Uncertain Significance.